The following is an entry in ClinVar:

ClinVar aggregate classification (germline): Uncertain significance. Review status: criteria provided, multiple submitters, no conflicts (2 of 4 stars). 3 submissions from 3 submitters: Uncertain significance (3). Last evaluated 2025-02-23.

Conditions:
Brugada syndrome 3 (BRGDA3). Identifiers: Orphanet 130, MedGen C2678478, MONDO:0012742, OMIM 611875.
Long QT syndrome 8. Identifiers: MedGen CN260585, MONDO:0032756, OMIM 618447.
Timothy syndrome (TS). Also called: LONG QT SYNDROME WITH SYNDACTYLY. Identifiers: Orphanet 65283, MedGen C1832916, MeSH C536962, MONDO:0010979, OMIM 601005.
Long QT syndrome (LQTS). Identifiers: MedGen C0023976, MeSH D008133, MONDO:0002442. Disease mechanism: loss of function. Inheritance: Various modes of inheritance.
Cardiovascular phenotype. Identifiers: MedGen CN230736.

Allele frequency attached by ClinVar (database versions not stated): gnomAD exomes below 0.00001 and 0.00001; TOPMed below 0.00001; ExAC 0.00001; gnomAD 0.00001.

Submissions (3):

Labcorp Genetics (formerly Invitae), Labcorp
Classification: Uncertain significance for Long QT syndrome. Last evaluated: 2025-02-23. Review status: criteria provided, single submitter. Criteria: Invitae Variant Classification Sherloc (09022015). Collection method: clinical testing. Allele origin: germline.
Comment: This sequence change replaces methionine, which is neutral and non-polar, with valine, which is neutral and non-polar, at codon 1461 of the CACNA1C protein (p.Met1461Val). This variant is present in population databases (rs200206894, gnomAD 0.007%). This variant has not been reported in the literature in individuals affected with CACNA1C-related conditions. ClinVar contains an entry for this variant (Variation ID: 1355444). Invitae Evidence Modeling of protein sequence and biophysical properties (such as structural, functional, and spatial information, amino acid conservation, physicochemical variation, residue mobility, and thermodynamic stability) indicates that this missense variant is not expected to disrupt CACNA1C protein function with a negative predictive value of 80%. In summary, the available evidence is currently insufficient to determine the role of this variant in disease. Therefore, it has been classified as a Variant of Uncertain Significance.

Fulgent Genetics
Classification: Uncertain significance for Timothy syndrome; Brugada syndrome 3; Long QT syndrome 8. Last evaluated: 2021-09-23. Review status: criteria provided, single submitter. Criteria: ACMG Guidelines, 2015. Collection method: clinical testing. Allele origin: unknown.

Ambry Genetics
Classification: Uncertain significance for Cardiovascular phenotype. Last evaluated: 2018-07-11. Review status: criteria provided, single submitter. Criteria: Ambry Variant Classification Scheme 2023. Collection method: clinical testing. Allele origin: germline.
Comment: The p.M1461V variant (also known as c.4381A>G), located in coding exon 35 of the CACNA1C gene, results from an A to G substitution at nucleotide position 4381. The methionine at codon 1461 is replaced by valine, an amino acid with highly similar properties. This amino acid position is highly conserved in available vertebrate species. In addition, the in silico prediction for this alteration is inconclusive. Since supporting evidence is limited at this time, the clinical significance of this alteration remains unclear.

NM_000719.7(CACNA1C):c.4381A>G (p.Met1461Val)

Gene: CACNA1C (calcium voltage-gated channel subunit alpha1 C; plus strand). Cytogenetic location: 12p13.33.
Variant type: single nucleotide variant.
Coding change: c.4381A>G on transcript NM_000719.7 (MANE Select); coding-DNA position 4381, A replaced by G.
Protein change: p.Met1461Val; replaces methionine 1461 with valine.
Molecular consequence: missense variant.
Genome position (GRCh38, 1-based): chr12:2,664,973, A>G. VCF-style: chr12-2664973-A-G. GRCh37 (hg19) VCF-style: chr12-2774139-A-G.
Other names: c.4525A>G, p.Met1509Val (NM_001129827.2, NM_199460.4); c.4447A>G, p.Met1483Val (NM_001129829.2); c.4381A>G, p.Met1461Val (NM_001129830.3, NM_001129833.2, NM_001129840.2 and 7 more transcripts); c.4465A>G, p.Met1489Val (NM_001129831.2); c.4441A>G, p.Met1481Val (NM_001129832.2); c.4348A>G, p.Met1450Val (NM_001129838.2, NM_001129837.2, NM_001129846.2 and 1 more transcripts); c.4342A>G, p.Met1448Val (NM_001129839.2); c.4432A>G, p.Met1478Val (NM_001129836.2); and 1 more; short protein forms M1509V, M1448V, M1450V, M1481V, M1458V, M1461V, M1483V, M1489V.
Identifiers: ClinVar variation 1355444 (VCV001355444.8), dbSNP rs200206894, ClinGen allele CA6389536.
Genomic context (GRCh38, chr12:2,664,973, plus strand): 5'-ACGGAGGGTGAAACACCCTGTGGTAGCAGCTTTGCTGTCTTCTACTTCATCAGCTTCTAC[A>G]TGCTCTGTGCCTTCCTGGTAAGCCAAGGGGGAACTCAACAGCCAGCAGCCATGACTGCCC-3'
Protein context (NP_000710.5, residues 1451-1471): FAVFYFISFY[Met1461Val]LCAFLIINLF